The following is an entry in ClinVar:

ClinVar aggregate classification (germline): Uncertain significance (1 of 4 stars; one submission).

Allele frequency attached by ClinVar (database versions not stated): ExAC 0.00001; gnomAD exomes 0.00001; TOPMed 0.00001.
gnomAD v4.1: 9 of 1,594,206 alleles (0.00056%); highest among the groups gnomAD compares: African/African-American, 0.0014%; no homozygotes.

Submission:

Labcorp Genetics (formerly Invitae), Labcorp
Classification: Uncertain significance. Last evaluated: 2025-07-16. Review status: criteria provided, single submitter. Criteria: Invitae Variant Classification Sherloc (09022015). Collection method: clinical testing. Allele origin: germline.
Comment: This sequence change replaces proline, which is neutral and non-polar, with leucine, which is neutral and non-polar, at codon 476 of the KANK2 protein (p.Pro476Leu). The frequency data for this variant in the population databases is considered unreliable, as metrics indicate poor data quality at this position in the gnomAD database. This variant has not been reported in the literature in individuals affected with KANK2-related conditions. ClinVar contains an entry for this variant (Variation ID: 1970835). An algorithm developed to predict the effect of missense changes on protein structure and function outputs the following: PolyPhen-2: "Benign". The leucine amino acid residue is found in multiple mammalian species, which suggests that this missense change does not adversely affect protein function. In summary, the available evidence is currently insufficient to determine the role of this variant in disease. Therefore, it has been classified as a Variant of Uncertain Significance.

NM_001136191.3(KANK2):c.1427C>T (p.Pro476Leu)

Gene: KANK2 (KN motif and ankyrin repeat domains 2; minus strand). Cytogenetic location: 19p13.2.
Variant type: single nucleotide variant.
Coding change: c.1427C>T on transcript NM_001136191.3 (MANE Select); coding-DNA position 1427, C replaced by T.
Protein change: p.Pro476Leu; replaces proline 476 with leucine.
Molecular consequence: missense variant.
Genome position (GRCh38, 1-based): chr19:11,178,438, G>A on the plus strand (C>T on the coding strand, the complement: KANK2 is on the minus strand). VCF-style: chr19-11178438-G-A. GRCh37 (hg19) VCF-style: chr19-11289114-G-A.
Other names: c.1427C>T, p.Pro476Leu (NM_001329451.2, NM_001379555.1, NM_001379556.1 and 7 more transcripts); c.1451C>T, p.Pro484Leu (NM_001379548.1, NM_001379549.1, NM_001379550.1 and 5 more transcripts); short protein forms P476L, P484L.
Identifiers: ClinVar variation 1970835 (VCV001970835.5), dbSNP rs746325239, ClinGen allele CA9205669.